The following is an entry in ClinVar:

NM_003227.4(TFR2):c.2025C>G (p.Tyr675Ter)

Genes: TFR2 (transferrin receptor 2; minus strand), LOC113687175 (Sharpr-MPRA regulatory region 4647; plus strand). Cytogenetic location: 7q22.1.
Variant type: single nucleotide variant.
Coding change: c.2025C>G on transcript NM_003227.4 (MANE Select); coding-DNA position 2025, C replaced by G.
Protein change: p.Tyr675Ter; replaces tyrosine 675 with a stop codon.
Molecular consequence: nonsense.
Genome position (GRCh38, 1-based): chr7:100,626,874, G>C on the plus strand (C>G on the coding strand, the complement: TFR2 is on the minus strand). VCF-style: chr7-100626874-G-C. GRCh37 (hg19) VCF-style: chr7-100224497-G-C.
Other names: c.1512C>G, p.Tyr504Ter (NM_001206855.3); short protein forms Y675*, Y504*.
Identifiers: ClinVar variation 839335 (VCV000839335.11), dbSNP rs1405776096, ClinGen allele CA368522992.
Genomic context (GRCh38, chr7:100,626,874, plus strand): 5'-CGAGCTGTAGATCTCCTGCCGCAGCTTTTCCGCCGCCCGGATGTAGTCCCCCCGCGCCGA[G>C]TACACCCACTGCAGGGTCAGCCCGCGGGCCTGGGGTGGGGAGGCGCGGGCTGGGGCTGGC-3'

ClinVar aggregate classification (germline): Pathogenic/Likely pathogenic. Review status: criteria provided, multiple submitters, no conflicts (2 of 4 stars). 3 submissions from 3 submitters: Pathogenic (1); Likely pathogenic (2). Last evaluated 2024-06-12.

Conditions:
Hereditary hemochromatosis (HFE). Identifiers: MedGen C0392514, MONDO:0006507. Disease mechanism: loss of function.
Hemochromatosis type 3 (HFE3). Also called: Hereditary hemochromatosis type 3; HEMOCHROMATOSIS DUE TO DEFECT IN TRANSFERRIN RECEPTOR 2; TFR2-Related Hemochromatosis. Identifiers: Orphanet 225123, MedGen C1858664, MONDO:0011417, OMIM 604250.

Allele frequency attached by ClinVar (database versions not stated): gnomAD exomes 0.00001 and 0.00005.
gnomAD v4.1: 71 of 1,546,494 alleles (0.0046%); highest among the groups gnomAD compares: Non-Finnish European, 0.0061%; no homozygotes.

Submissions (3):

Fulgent Genetics
Classification: Likely pathogenic for Hemochromatosis type 3. Last evaluated: 2024-06-12. Review status: criteria provided, single submitter. Criteria: ACMG Guidelines, 2015. Collection method: clinical testing. Allele origin: germline.

Baylor Genetics
Classification: Likely pathogenic for Hemochromatosis type 3. Last evaluated: 2023-11-10. Review status: criteria provided, single submitter. Criteria: ACMG Guidelines, 2015. Collection method: clinical testing. Allele origin: unknown.

Labcorp Genetics (formerly Invitae), Labcorp
Classification: Pathogenic for Hereditary hemochromatosis. Last evaluated: 2023-10-15. Review status: criteria provided, single submitter. Criteria: Invitae Variant Classification Sherloc (09022015). Collection method: clinical testing. Allele origin: germline.
Comment: This sequence change creates a premature translational stop signal (p.Tyr675*) in the TFR2 gene. It is expected to result in an absent or disrupted protein product. Loss-of-function variants in TFR2 are known to be pathogenic (PMID: 23600741, 26029709). The frequency data for this variant in the population databases is considered unreliable, as metrics indicate poor data quality at this position in the gnomAD database. This variant has not been reported in the literature in individuals affected with TFR2-related conditions. ClinVar contains an entry for this variant (Variation ID: 839335). Algorithms developed to predict the effect of sequence changes on RNA splicing suggest that this variant may create or strengthen a splice site. For these reasons, this variant has been classified as Pathogenic.

Literature cited by the submitters: PubMed 23600741 (cited by Labcorp Genetics (formerly Invitae), Labcorp); PubMed 26029709 (cited by Labcorp Genetics (formerly Invitae), Labcorp).